The following is an entry in ClinVar:

ClinVar aggregate classification (germline): Uncertain significance (1 of 4 stars; one submission).

Submission:

Women's Health and Genetics/Laboratory Corporation of America, LabCorp
Classification: Uncertain significance. Last evaluated: 2025-02-24. Review status: criteria provided, single submitter. Criteria: LabCorp Variant Classification Summary - May 2015. Collection method: clinical testing. Allele origin: germline.
Comment: Variant summary: ABCC8 c.3296G>A (p.Ser1099Asn) results in a conservative amino acid change in the encoded protein sequence. Four of five in-silico tools predict a benign effect of the variant on protein function. The variant was absent in 251154 control chromosomes. The available data on variant occurrences in the general population are insufficient to allow any conclusion about variant significance. To our knowledge, no occurrence of c.3296G>A in individuals affected with Familial Hyperinsulinism and no experimental evidence demonstrating its impact on protein function have been reported. No submitters have cited clinical-significance assessments for this variant to ClinVar. Based on the evidence outlined above, the variant was classified as uncertain significance.

NM_000352.6(ABCC8):c.3296G>A (p.Ser1099Asn)

Gene: ABCC8 (ATP binding cassette subfamily C member 8; minus strand). Cytogenetic location: 11p15.1.
Variant type: single nucleotide variant.
Coding change: c.3296G>A on transcript NM_000352.6 (MANE Select); coding-DNA position 3296, G replaced by A.
Protein change: p.Ser1099Asn; replaces serine 1099 with asparagine.
Molecular consequence: missense variant. On other transcripts: non-coding transcript variant (1).
Genome position (GRCh38, 1-based): chr11:17,406,655, C>T on the plus strand (G>A on the coding strand, the complement: ABCC8 is on the minus strand). VCF-style: chr11-17406655-C-T. GRCh37 (hg19) VCF-style: chr11-17428202-C-T.
Other names: c.3299G>A, p.Ser1100Asn (NM_001287174.3); c.3362G>A, p.Ser1121Asn (NM_001351295.2); c.3296G>A, p.Ser1099Asn (NM_001351296.2); c.3293G>A, p.Ser1098Asn (NM_001351297.2); short protein forms S1098N, S1099N, S1100N, S1121N.
Identifiers: ClinVar variation 3768845 (VCV003768845.1).
Genomic context (GRCh38, chr11:17,406,655, plus strand): 5'-CCCAGCCTGGCCAGGGGAGACGGGTACCTCATGGGGGCTAGGATGATCCGGTTTAGCAGG[C>T]TGCGGTGCAGTCTCTTGGCCACCTTCAGCCCTGTCCACTCCACAGTGACAGACGTGACGA-3'
Protein context (NP_000343.2, residues 1089-1109): GLKVAKRLHR[Ser1099Asn]LLNRIILAPM